The following is an entry in ClinVar:

NM_032119.4(ADGRV1):c.367G>A (p.Ala123Thr)

Gene: ADGRV1 (adhesion G protein-coupled receptor V1; plus strand). Cytogenetic location: 5q14.3.
Variant type: single nucleotide variant.
Coding change: c.367G>A on transcript NM_032119.4 (MANE Select); coding-DNA position 367, G replaced by A.
Protein change: p.Ala123Thr; replaces alanine 123 with threonine.
Molecular consequence: missense variant. On other transcripts: non-coding transcript variant (1).
Genome position (GRCh38, 1-based): chr5:90,619,095, G>A. VCF-style: chr5-90619095-G-A. GRCh37 (hg19) VCF-style: chr5-89914912-G-A.
Other names: short protein forms A123T.
Identifiers: ClinVar variation 1510300 (VCV001510300.3), dbSNP rs186234349, ClinGen allele CA3338457.

ClinVar aggregate classification (germline): Uncertain significance (1 of 4 stars; one submission).

Allele frequency attached by ClinVar (database versions not stated): gnomAD exomes 0.00001; gnomAD 0.00002 and 0.00001; TOPMed 0.00003; ExAC 0.00005; 1000 Genomes Project 30x 0.00016; 1000 Genomes Project 0.00020.

Submission:

Labcorp Genetics (formerly Invitae), Labcorp
Classification: Uncertain significance. Last evaluated: 2022-01-26. Review status: criteria provided, single submitter. Criteria: Invitae Variant Classification Sherloc (09022015). Collection method: clinical testing. Allele origin: germline.
Comment: This sequence change replaces alanine, which is neutral and non-polar, with threonine, which is neutral and polar, at codon 123 of the ADGRV1 protein (p.Ala123Thr). The frequency data for this variant in the population databases is considered unreliable, as metrics indicate poor data quality at this position in the gnomAD database. This variant has not been reported in the literature in individuals affected with ADGRV1-related conditions. Algorithms developed to predict the effect of missense changes on protein structure and function output the following: SIFT: "Tolerated"; PolyPhen-2: "Benign"; Align-GVGD: "Class C0". The threonine amino acid residue is found in multiple mammalian species, which suggests that this missense change does not adversely affect protein function. In summary, the available evidence is currently insufficient to determine the role of this variant in disease. Therefore, it has been classified as a Variant of Uncertain Significance.